The following is an entry in ClinVar:

NM_001291303.3(FAT4):c.9408A>T (p.Glu3136Asp)

Gene: FAT4 (FAT atypical cadherin 4; plus strand). Cytogenetic location: 4q28.1.
Variant type: single nucleotide variant.
Coding change: c.9408A>T on transcript NM_001291303.3 (MANE Select); coding-DNA position 9408, A replaced by T.
Protein change: p.Glu3136Asp; replaces glutamic acid 3136 with aspartic acid.
Molecular consequence: missense variant.
Genome position (GRCh38, 1-based): chr4:125,450,418, A>T. VCF-style: chr4-125450418-A-T. GRCh37 (hg19) VCF-style: chr4-126371573-A-T.
Other names: c.9408A>T, p.Glu3136Asp (NM_001291285.3); c.9402A>T, p.Glu3134Asp (NM_024582.6); short protein forms E3134D, E3136D.
Identifiers: ClinVar variation 2992366 (VCV002992366.3), dbSNP rs749565102, ClinGen allele CA3073520.
Genomic context (GRCh38, chr4:125,450,418, plus strand): 5'-AGATAGAGATGCAGCGATGAATGGCTTGATTAAGTACAGCATTTCTTCAGGAAATGAAGA[A>T]GGCATTTTTGCAATCAATTCTTCTACAGGTATATTAACACTAGCCAAAGCTCTTGATTAT-3'
Protein context (NP_001278232.1, residues 3126-3146): IKYSISSGNE[Glu3136Asp]GIFAINSSTG

ClinVar aggregate classification (germline): Uncertain significance (1 of 4 stars; one submission).

Allele frequency attached by ClinVar (database versions not stated): ExAC 0.00001; gnomAD exomes 0.00001.
gnomAD v4.1: 12 of 1,614,126 alleles (0.00074%); highest among the groups gnomAD compares: Admixed American, 0.0017%; no homozygotes.

Submission:

Labcorp Genetics (formerly Invitae), Labcorp
Classification: Uncertain significance. Last evaluated: 2025-04-14. Review status: criteria provided, single submitter. Criteria: Invitae Variant Classification Sherloc (09022015). Collection method: clinical testing. Allele origin: germline.
Comment: This sequence change replaces glutamic acid, which is acidic and polar, with aspartic acid, which is acidic and polar, at codon 3134 of the FAT4 protein (p.Glu3134Asp). This variant is present in population databases (rs749565102, gnomAD 0.0009%). This variant has not been reported in the literature in individuals affected with FAT4-related conditions. ClinVar contains an entry for this variant (Variation ID: 2992366). Invitae Evidence Modeling of protein sequence and biophysical properties (such as structural, functional, and spatial information, amino acid conservation, physicochemical variation, residue mobility, and thermodynamic stability) indicates that this missense variant is not expected to disrupt FAT4 protein function with a negative predictive value of 95%. In summary, the available evidence is currently insufficient to determine the role of this variant in disease. Therefore, it has been classified as a Variant of Uncertain Significance.